The following is an entry in ClinVar:

NM_001184.4(ATR):c.245T>C (p.Met82Thr)

Gene: ATR (ATR checkpoint kinase; minus strand). Cytogenetic location: 3q23.
Variant type: single nucleotide variant.
Coding change: c.245T>C on transcript NM_001184.4 (MANE Select); coding-DNA position 245, T replaced by C.
Protein change: p.Met82Thr; replaces methionine 82 with threonine.
Molecular consequence: missense variant.
Genome position (GRCh38, 1-based): chr3:142,566,168, A>G on the plus strand (T>C on the coding strand, the complement: ATR is on the minus strand). VCF-style: chr3-142566168-A-G. GRCh37 (hg19) VCF-style: chr3-142285010-A-G.
Other names: c.245T>C, p.Met82Thr (NM_001354579.2); c.245T>C (NM_001184.3); short protein forms M82T.
Identifiers: ClinVar variation 2173606 (VCV002173606.7), dbSNP rs373636603, ClinGen allele CA2650814.
Genomic context (GRCh38, chr3:142,566,168, plus strand): 5'-TAACAGCACTTACCAATACAACTGCCTTTGGCCTCATGGCTTCCACTCACATTTACAAAC[A>G]TAAGTGGGGAGGATTTCATGATATGCTGGATGAAATCAAGCAACATCACGGAGGTTGGCT-3'
Protein context (NP_001175.2, residues 72-92): IQHIMKSSPL[Met82Thr]FVNVSGSHEA

ClinVar aggregate classification (germline): Uncertain significance. Review status: criteria provided, multiple submitters, no conflicts (2 of 4 stars). 2 submissions from 2 submitters: Uncertain significance (2). Last evaluated 2025-06-18.

Conditions:
Inborn genetic diseases. Identifiers: MedGen C0950123, MeSH D030342.

Allele frequency attached by ClinVar (database versions not stated): ExAC 0.00002; gnomAD 0.00002; TOPMed 0.00002; ESP Exome Variant Server 0.00008.

Submissions (2):

Ambry Genetics
Classification: Uncertain significance for Inborn genetic diseases. Last evaluated: 2025-06-18. Review status: criteria provided, single submitter. Criteria: Ambry Variant Classification Scheme 2023. Collection method: clinical testing. Allele origin: germline.

Labcorp Genetics (formerly Invitae), Labcorp
Classification: Uncertain significance. Last evaluated: 2025-04-20. Review status: criteria provided, single submitter. Criteria: Invitae Variant Classification Sherloc (09022015). Collection method: clinical testing. Allele origin: germline.
Comment: This sequence change replaces methionine, which is neutral and non-polar, with threonine, which is neutral and polar, at codon 82 of the ATR protein (p.Met82Thr). This variant is present in population databases (rs373636603, gnomAD 0.008%). This variant has not been reported in the literature in individuals affected with ATR-related conditions. ClinVar contains an entry for this variant (Variation ID: 2173606). An algorithm developed to predict the effect of missense changes on protein structure and function (PolyPhen-2) suggests that this variant is likely to be disruptive. In summary, the available evidence is currently insufficient to determine the role of this variant in disease. Therefore, it has been classified as a Variant of Uncertain Significance.